The following is an entry in ClinVar:

ClinVar aggregate classification (germline): Uncertain significance (1 of 4 stars; one submission).

Submission:

Women's Health and Genetics/Laboratory Corporation of America, LabCorp
Classification: Uncertain significance. Last evaluated: 2025-01-15. Review status: criteria provided, single submitter. Criteria: LabCorp Variant Classification Summary - May 2015. Collection method: clinical testing. Allele origin: germline.
Comment: Variant summary: ASXL2 c.3149A>T (p.Asp1050Val) results in a non-conservative amino acid change in the encoded protein sequence. Four of five in-silico tools predict a damaging effect of the variant on protein function. The variant was absent in 249148 control chromosomes. The available data on variant occurrences in the general population are insufficient to allow any conclusion about variant significance. To our knowledge, no occurrence of c.3149A>T in individuals affected with Shashi-Pena Syndrome and no experimental evidence demonstrating its impact on protein function have been reported. No submitters have cited clinical-significance assessments for this variant to ClinVar. Based on the evidence outlined above, the variant was classified as uncertain significance.

NM_018263.6(ASXL2):c.3149A>T (p.Asp1050Val)

Gene: ASXL2 (ASXL transcriptional regulator 2; minus strand). Cytogenetic location: 2p23.3.
Variant type: single nucleotide variant.
Coding change: c.3149A>T on transcript NM_018263.6 (MANE Select); coding-DNA position 3149, A replaced by T.
Protein change: p.Asp1050Val; replaces aspartic acid 1050 with valine.
Molecular consequence: missense variant.
Genome position (GRCh38, 1-based): chr2:25,743,188, T>A on the plus strand (A>T on the coding strand, the complement: ASXL2 is on the minus strand). VCF-style: chr2-25743188-T-A. GRCh37 (hg19) VCF-style: chr2-25966057-T-A.
Other names: c.2975A>T, p.Asp992Val (NM_001369346.1); c.2369A>T, p.Asp790Val (NM_001369347.1); short protein forms D1050V, D790V, D992V.
Identifiers: ClinVar variation 3769087 (VCV003769087.2).
Genomic context (GRCh38, chr2:25,743,188, plus strand): 5'-AGAGTCTGAAGGATCTGATCTTGGGTTGCTTTACTTAGTCCTTCGTGGTATTGGTGTGTG[T>A]CAATGCTGGAGTCCCTCAGCTCCTTAGCTGAAAAGAGCTGAAGGGGCCTTGGAACCTGGG-3'
Protein context (NP_060733.4, residues 1040-1060): SAKELRDSSI[Asp1050Val]THQYHEGLSK